The following is an entry in ClinVar:

ClinVar aggregate classification (germline): Uncertain significance (1 of 4 stars; one submission).

Allele frequency attached by ClinVar (database versions not stated): gnomAD exomes 0.00001.
gnomAD v4.1: 6 of 1,614,122 alleles (0.00037%); highest among the groups gnomAD compares: Admixed American, 0.0033%; no homozygotes.

Submission:

Labcorp Genetics (formerly Invitae), Labcorp
Classification: Uncertain significance. Last evaluated: 2022-07-19. Review status: criteria provided, single submitter. Criteria: Invitae Variant Classification Sherloc (09022015). Collection method: clinical testing. Allele origin: germline.
Comment: This sequence change replaces glycine with serine at codon 1577 of the FBN3 protein (p.Gly1577Ser). The glycine residue is highly conserved and there is a small physicochemical difference between glycine and serine. This variant is present in population databases (no rsID available, gnomAD 0.003%). This variant has not been reported in the literature in individuals affected with FBN3-related conditions. ClinVar contains an entry for this variant (Variation ID: 1350215). Algorithms developed to predict the effect of missense changes on protein structure and function are either unavailable or do not agree on the potential impact of this missense change (SIFT: "Not Available"; PolyPhen-2: "Possibly Damaging"; Align-GVGD: "Not Available"). In summary, the available evidence is currently insufficient to determine the role of this variant in disease. Therefore, it has been classified as a Variant of Uncertain Significance.

NM_032447.5(FBN3):c.4729G>A (p.Gly1577Ser)

Gene: FBN3 (fibrillin 3; minus strand). Cytogenetic location: 19p13.2.
Variant type: single nucleotide variant.
Coding change: c.4729G>A on transcript NM_032447.5 (MANE Select); coding-DNA position 4729, G replaced by A.
Protein change: p.Gly1577Ser; replaces glycine 1577 with serine.
Molecular consequence: missense variant.
Genome position (GRCh38, 1-based): chr19:8,106,192, C>T on the plus strand (G>A on the coding strand, the complement: FBN3 is on the minus strand). VCF-style: chr19-8106192-C-T. GRCh37 (hg19) VCF-style: chr19-8171076-C-T.
Other names: c.4729G>A, p.Gly1577Ser (NM_001321431.2); short protein forms G1577S.
Identifiers: ClinVar variation 1350215 (VCV001350215.6), dbSNP rs1249761807, ClinGen allele CA403735791.
Genomic context (GRCh38, chr19:8,106,192, plus strand): 5'-TGAGGTGGTAGCCAGGTGGGCACTCACACTGGAAACTGCCAAACGTGTTGACGCAGTCAC[C>T]CCCCTGACACAGCCCTGGCAGCTCTTGGCACTCGTCGATGTCTGTCAGGAAGTAAGGAAG-3'
Protein context (NP_115823.3, residues 1567-1587): CQELPGLCQG[Gly1577Ser]DCVNTFGSFQ